The following is an entry in ClinVar:

ClinVar aggregate classification (germline): Pathogenic (1 of 4 stars; one submission).

Submission:

GeneDx
Classification: Pathogenic. Last evaluated: 2026-04-07. Review status: criteria provided, single submitter. Criteria: GeneDx Variant Classification Process June 2021. Collection method: clinical testing. Allele origin: germline.
Comment: Reported in the presence of a second VWF variant in unrelated patients with von Willebrand Type 2 or 3; heterozygous relatives of one of these patients had low or normal VWF levels (PMID: 35343054, 23702511, 33556167, 40393667); Not observed at significant frequency in large population cohorts (gnomAD); Nonsense variant predicted to result in protein truncation or nonsense mediated decay in a gene for which loss of function is a known mechanism of disease; This variant is associated with the following publications: (PMID: 35343054, 23702511, 33556167, 40393667)

NM_000552.5(VWF):c.7448dup (p.Tyr2483Ter)

Gene: VWF (von Willebrand factor; minus strand). Cytogenetic location: 12p13.31.
Variant type: Duplication.
Coding change: c.7448dup on transcript NM_000552.5 (MANE Select); coding-DNA position 7448, one base duplicated (A; older notation c.7448dupA).
Protein change: p.Tyr2483Ter; replaces tyrosine 2483 with a stop codon.
Molecular consequence: nonsense.
Genome position (GRCh38, 1-based): chr12:5,971,699, T duplicated on the plus strand (A on the coding strand, the reverse complement: VWF is on the minus strand). VCF-style (leftmost placement, unchanged base first): chr12-5971698-G-GT. GRCh37 (hg19) VCF-style: chr12-6080864-G-GT.
Other names: short protein forms Y2483*.
Identifiers: ClinVar variation 5016692 (VCV005016692.1).